The following is an entry in ClinVar:

ClinVar aggregate classification (germline): Uncertain significance (1 of 4 stars; one submission).

Conditions:
KSR2-related disorder. Also called: KSR2-related condition.

gnomAD v4.1: 3 of 1,613,892 alleles (0.00019%); highest among the groups gnomAD compares: African/African-American, 0.004%; no homozygotes.

Submission:

PreventionGenetics, part of Exact Sciences
Classification: Uncertain significance for KSR2-related condition. Last evaluated: 2025-08-11. Review status: criteria provided, single submitter. Criteria: ACMG Guidelines, 2015. Collection method: clinical testing. Allele origin: germline.
Comment: The KSR2 c.271T>A variant is predicted to result in the amino acid substitution p.Leu91Met. To our knowledge, this variant has not been reported in the literature. This variant is reported in 0.0083% of alleles in individuals of African descent in gnomAD. At this time, the clinical significance of this variant is uncertain due to the absence of conclusive functional and genetic evidence.

NM_173598.6(KSR2):c.358T>A (p.Leu120Met)

Gene: KSR2 (kinase suppressor of ras 2; minus strand). Cytogenetic location: 12q24.23.
Variant type: single nucleotide variant.
Coding change: c.358T>A on transcript NM_173598.6 (MANE Select); coding-DNA position 358, T replaced by A.
Protein change: p.Leu120Met; replaces leucine 120 with methionine.
Molecular consequence: missense variant.
Genome position (GRCh38, 1-based): chr12:117,855,542, A>T on the plus strand (T>A on the coding strand, the complement: KSR2 is on the minus strand). VCF-style: chr12-117855542-A-T. GRCh37 (hg19) VCF-style: chr12-118293347-A-T.
Other names: short protein forms L120M.
Identifiers: ClinVar variation 4997713 (VCV004997713.1).